The following is an entry in ClinVar:

NM_024496.4(IRF2BPL):c.1180_1202del (p.Lys394fs)

Gene: IRF2BPL (interferon regulatory factor 2 binding protein like; minus strand). Cytogenetic location: 14q24.3.
Variant type: Deletion.
Coding change: c.1180_1202del on transcript NM_024496.4 (MANE Select); coding-DNA positions 1180 to 1202, 23 bases deleted (AAGGACCACTCGCTGCTGGGCCG).
Protein change: p.Lys394fs; shifts the reading frame from lysine 394.
Molecular consequence: frameshift variant.
Genome position (GRCh38, 1-based): chr14:77,026,591-77,026,613, CGGCCCAGCAGCGAGTGGTCCTT deleted on the plus strand (AAGGACCACTCGCTGCTGGGCCG on the coding strand, the reverse complement: IRF2BPL is on the minus strand); deleting any 23 consecutive bases within chr14:77,026,591-77,026,614 gives the same sequence; the c. name uses the placement nearest the transcript's 3' end. VCF-style (leftmost placement, unchanged base first): chr14-77026590-GCGGCCCAGCAGCGAGTGGTCCTT-G. GRCh37 (hg19) VCF-style: chr14-77492933-GCGGCCCAGCAGCGAGTGGTCCTT-G.
Other names: short protein forms K394fs.
Identifiers: ClinVar variation 2633345 (VCV002633345.1), dbSNP rs2503076331, ClinGen allele CA2695199845.

ClinVar aggregate classification (germline): Likely pathogenic (1 of 4 stars; one submission).

Conditions:
IRF2BPL-related disorder. Also called: IRF2BPL-related condition. Identifiers: MedGen CN381093.

Submission:

PreventionGenetics, part of Exact Sciences
Classification: Likely pathogenic for IRF2BPL-related condition. Last evaluated: 2023-06-06. Review status: criteria provided, single submitter. Criteria: ACMG Guidelines, 2015. Collection method: clinical testing. Allele origin: germline.
Comment: The IRF2BPL c.1180_1202del23 variant is predicted to result in a frameshift and premature protein termination (p.Lys394Argfs*21). To our knowledge, this variant has not been reported in the literature or in a large population database, indicating this variant is rare. Frameshift variants in IRF2BPL are expected to be pathogenic. This variant is interpreted as likely pathogenic.